The following is an entry in ClinVar:

NM_024529.5(CDC73):c.16A>G (p.Ser6Gly)

Gene: CDC73 (cell division cycle 73; plus strand). Cytogenetic location: 1q31.2.
Variant type: single nucleotide variant.
Coding change: c.16A>G on transcript NM_024529.5 (MANE Select); coding-DNA position 16, A replaced by G.
Protein change: p.Ser6Gly; replaces serine 6 with glycine.
Molecular consequence: missense variant.
Genome position (GRCh38, 1-based): chr1:193,122,216, A>G. VCF-style: chr1-193122216-A-G. GRCh37 (hg19) VCF-style: chr1-193091346-A-G.
Other names: short protein forms S6G.
Identifiers: ClinVar variation 2045701 (VCV002045701.5), dbSNP rs770544416, ClinGen allele CA1303239.

ClinVar aggregate classification (germline): Conflicting classifications of pathogenicity. Review status: criteria provided, conflicting classifications (1 of 4 stars). 2 submissions from 2 submitters: Uncertain significance (1); Likely benign (1). Last evaluated 2025-07-11.

Conditions:
Hereditary cancer-predisposing syndrome. Also called: Neoplastic Syndromes, Hereditary; Hereditary Cancer Syndrome; Hereditary neoplastic syndrome; Tumor predisposition. Identifiers: Orphanet 140162, MedGen C0027672, MeSH D009386, MONDO:0015356.
Parathyroid carcinoma (PRTC). Also called: Parathyroid gland carcinoma; CDC73-Related Parathyroid Carcinoma. Identifiers: Orphanet 143, MedGen C0687150, MONDO:0012004, OMIM 608266, HP:0006780.

Allele frequency attached by ClinVar (database versions not stated): gnomAD exomes 0.00001; ExAC 0.00003.
gnomAD v4.1: 5 of 1,614,184 alleles (0.00031%); highest among the groups gnomAD compares: Non-Finnish European, 0.00034%; no homozygotes.

Submissions (2):

Ambry Genetics
Classification: Likely benign for Hereditary cancer-predisposing syndrome. Last evaluated: 2025-07-11. Review status: criteria provided, single submitter. Criteria: Ambry Variant Classification Scheme 2023. Collection method: clinical testing. Allele origin: germline.

Labcorp Genetics (formerly Invitae), Labcorp
Classification: Uncertain significance for Parathyroid carcinoma. Last evaluated: 2025-01-21. Review status: criteria provided, single submitter. Criteria: Invitae Variant Classification Sherloc (09022015). Collection method: clinical testing. Allele origin: germline.
Comment: This sequence change replaces serine, which is neutral and polar, with glycine, which is neutral and non-polar, at codon 6 of the CDC73 protein (p.Ser6Gly). This variant is present in population databases (rs770544416, gnomAD 0.003%). This variant has not been reported in the literature in individuals affected with CDC73-related conditions. ClinVar contains an entry for this variant (Variation ID: 2045701). Invitae Evidence Modeling of protein sequence and biophysical properties (such as structural, functional, and spatial information, amino acid conservation, physicochemical variation, residue mobility, and thermodynamic stability) indicates that this missense variant is not expected to disrupt CDC73 protein function with a negative predictive value of 80%. In summary, the available evidence is currently insufficient to determine the role of this variant in disease. Therefore, it has been classified as a Variant of Uncertain Significance.